The following is an entry in ClinVar:

NM_002150.3(HPD):c.345C>T (p.Ala115=)

Genes: HPD (4-hydroxyphenylpyruvate dioxygenase; minus strand), TIALD (transcript inducer of AURKA lysosomal degradation; plus strand). Cytogenetic location: 12q24.31.
Variant type: single nucleotide variant.
Coding change: c.345C>T on transcript NM_002150.3 (MANE Select); coding-DNA position 345, C replaced by T.
Protein change: p.Ala115=; no amino-acid change (alanine 115 retained).
Molecular consequence: synonymous variant.
Genome position (GRCh38, 1-based): chr12:121,854,772, G>A on the plus strand (C>T on the coding strand, the complement: HPD is on the minus strand). VCF-style: chr12-121854772-G-A. GRCh37 (hg19) VCF-style: chr12-122292678-G-A.
Other names: c.228C>T, p.Ala76= (NM_001171993.2).
Identifiers: ClinVar variation 529470 (VCV000529470.17), dbSNP rs59741465, ClinGen allele CA6839691.
Genomic context (GRCh38, chr12:121,854,772, plus strand): 5'-CACAGCAAACTTCACCTTCCCAAACTTGTCTTGCTCTACCCAGGGCTCCCGCATGATTTT[G>A]GCGCCCCGTTCCCGTGCTTTCTGCAGAGAAGATGGGATCGGGGAATTGGTGAGGGCTGGA-3'
Protein context (NP_002141.2, residues 105-125): YIVQKARERG[Ala115=]KIMREPWVEQ

ClinVar aggregate classification (germline): Benign. Review status: criteria provided, multiple submitters, no conflicts (2 of 4 stars). 5 submissions from 4 submitters: Benign (5). Last evaluated 2026-01-28.

Conditions:
Hawkinsinuria. Identifiers: Orphanet 2118, MedGen C2931042, MONDO:0007700, OMIM 140350, HP:0034457.
Tyrosinemia type III. Also called: Tyrosinemia type 3; 4-alpha hydroxyphenylpyruvic acid oxidase deficiency; 4-alpha hydroxyphenylpyruvate dioxygenase deficiency; 4-Hydroxyphenylpyruvate dioxygenase deficiency; 4-HYDROXYPHENYLPYRUVIC ACID OXIDASE DEFICIENCY. Identifiers: Orphanet 69723, MedGen C0268623, MONDO:0010162, OMIM 276710.

Allele frequency attached by ClinVar (database versions not stated): gnomAD exomes 0.00169 and 0.00056; ExAC 0.00201; gnomAD 0.00624 and 0.00670; 1000 Genomes Project 0.00699; 1000 Genomes Project 30x 0.00750; TOPMed 0.00772; ESP Exome Variant Server 0.00830.
gnomAD v4.1: 1,791 of 1,614,044 alleles (0.11%); highest among the groups gnomAD compares: African/African-American, 2.2%; 31 homozygotes.

Submissions (5):

Labcorp Genetics (formerly Invitae), Labcorp
Classification: Benign for Tyrosinemia type III; Hawkinsinuria. Last evaluated: 2026-01-28. Review status: criteria provided, single submitter. Criteria: Invitae Variant Classification Sherloc (09022015). Collection method: clinical testing. Allele origin: germline.

GeneDx
Classification: Benign. Last evaluated: 2020-07-06. Review status: criteria provided, single submitter. Criteria: GeneDx Variant Classification Process June 2021. Collection method: clinical testing. Allele origin: germline. Affected: yes.

Illumina Laboratory Services, Illumina
Classification: Benign for Hawkinsinuria. Last evaluated: 2018-01-13. Review status: criteria provided, single submitter. Criteria: ICSL Variant Classification Criteria 13 December 2019. Collection method: clinical testing. Allele origin: germline.
Comment: This variant was observed in the ICSL laboratory as part of a predisposition screen in an ostensibly healthy population. It had not been previously curated by ICSL or reported in the Human Gene Mutation Database (HGMD: prior to June 1st, 2018), and was therefore a candidate for classification through an automated scoring system. Utilizing variant allele frequency, disease prevalence and penetrance estimates, and inheritance mode, an automated score was calculated to assess if this variant is too frequent to cause the disease. Based on the score and internal cut-off values, a variant classified as benign is not then subjected to further curation. The score for this variant resulted in a classification of benign for this disease.

Illumina Laboratory Services, Illumina
Classification: Benign for Tyrosinemia type III. Last evaluated: 2018-01-13. Review status: criteria provided, single submitter. Criteria: ICSL Variant Classification Criteria 13 December 2019. Collection method: clinical testing. Allele origin: germline.
Comment: the same text as in the submission from Illumina Laboratory Services, Illumina above.

Breakthrough Genomics
Classification: Benign. Review status: criteria provided, single submitter. Criteria: ACMG Guidelines, 2015. Collection method: not provided. Allele origin: germline. Inheritance: Autosomal recessive inheritance. Affected: yes.